The following is an entry in ClinVar:

ClinVar aggregate classification (germline): Conflicting classifications of pathogenicity. Review status: criteria provided, conflicting classifications (1 of 4 stars). 3 submissions from 3 submitters: Likely pathogenic (1); Uncertain significance (2). Last evaluated 2026-05-06.

Conditions:
Brugada syndrome 4 (BRGDA4). Identifiers: Orphanet 130, MedGen C2678477, MONDO:0012743, OMIM 611876.
CACNB2-related disorder. Also called: CACNB2-related condition.

gnomAD v4.1: 17 of 1,613,794 alleles (0.0011%); highest among the groups gnomAD compares: South Asian, 0.019%; no homozygotes.

Submissions (3):

PreventionGenetics, part of Exact Sciences
Classification: Uncertain significance for CACNB2-related condition. Last evaluated: 2026-05-06. Review status: criteria provided, single submitter. Criteria: ACMG Guidelines, 2015. Collection method: clinical testing. Allele origin: germline.
Comment: The CACNB2 c.606+1G>T variant is predicted to disrupt the GT donor site and interfere with normal splicing. This variant corresponds to a deep intronic position in alternate transcripts for this gene (NM_201596:c.804+162G>T or NM_201590:c.642+162G>T). To our knowledge, this variant has not been reported in the literature. This variant is reported in 0.029% of alleles in individuals of South Asian descent in gnomAD. Loss of function is not an established mechanism of CACNB2-related disease. At this time, the clinical significance of this variant is uncertain due to the absence of conclusive functional and genetic evidence.

Human Genetics Bochum, Ruhr University Bochum
Classification: Uncertain significance for Brugada syndrome 4. Last evaluated: 2026-03-25. Review status: criteria provided, single submitter. Criteria: ACMG Guidelines, 2015. Collection method: clinical testing. Allele origin: germline. Affected: yes.
Comment: ACMG criteria used to clasify this variant: PP3_MOD, PS4_SUP, PM2_SUP

Diagnostics Services (NGS), CSIR - Centre For Cellular And Molecular Biology
Classification: Likely pathogenic for Brugada syndrome 4. Last evaluated: 2025-03-05. Review status: criteria provided, single submitter. Criteria: ACMG Guidelines, 2015. Collection method: clinical testing. Allele origin: unknown. Affected: yes. Observed: 1 variant allele, 1 heterozygote.
Comment: The c.690+1G>T variant is not present in publicly available population databases like 1000 Genomes, EVS and Indian Exome Database. The variant is present in gnomAD and our internal database at low frequencies. This variant has neither been observed in individuals affected with CACNB2-related conditions nor reported to clinical databases like Human Genome Mutation Database (HGMD), ClinVar or OMIM in any affected individuals. Algorithms developed to predict the effect of sequence changes on RNA splicing suggest that this variant may affect splicing. In-silico pathogenicity prediction programs like HSF3.1, MutationTaster2021, CADD, Varsome etc predicted this variant to be likely deleterious, however these predictions were not confirmed by published functional/translational studies.

NM_201596.3(CACNB2):c.804+162G>T

Gene: CACNB2 (calcium voltage-gated channel auxiliary subunit beta 2; plus strand). Cytogenetic location: 10p12.31.
Variant type: single nucleotide variant.
Coding change: c.804+162G>T on transcript NM_201596.3 (MANE Select); 162 bases into the intron after coding-DNA position 804, G replaced by T.
Molecular consequence: intron variant. On other transcripts: splice donor variant (4).
Genome position (GRCh38, 1-based): chr10:18,514,531, G>T. VCF-style: chr10-18514531-G-T. GRCh37 (hg19) VCF-style: chr10-18803460-G-T.
Other names: c.690+1G>T (NM_201593.3); c.671-449G>T (NM_201597.3); c.639+162G>T (NM_000724.4); c.525+1G>T (NM_001330060.2); c.642+162G>T (NM_201590.3); c.660+162G>T (NM_201570.3); c.546+1G>T (NM_001410882.1); c.720+162G>T (NM_201571.4); and 2 more.
Identifiers: ClinVar variation 3774534 (VCV003774534.3).